The following is an entry in ClinVar:

NM_000051.4(ATM):c.1352G>A (p.Arg451His)

Gene: ATM (ATM serine/threonine kinase; plus strand). Cytogenetic location: 11q22.3.
Variant type: single nucleotide variant.
Coding change: c.1352G>A on transcript NM_000051.4 (MANE Select); coding-DNA position 1352, G replaced by A.
Protein change: p.Arg451His; replaces arginine 451 with histidine.
Molecular consequence: missense variant.
Genome position (GRCh38, 1-based): chr11:108,250,817, G>A. VCF-style: chr11-108250817-G-A. GRCh37 (hg19) VCF-style: chr11-108121544-G-A.
Other names: p.Arg451His; c.1352G>A, p.Arg451His (NM_001351834.2); short protein forms R451H.
Identifiers: ClinVar variation 407670 (VCV000407670.37), dbSNP rs554805703, ClinGen allele CA6264804.

ClinVar aggregate classification (germline): Uncertain significance. Review status: criteria provided, multiple submitters, no conflicts (2 of 4 stars). 11 submissions from 11 submitters: Uncertain significance (11). Last evaluated 2025-09-02.

Conditions:
Ataxia-telangiectasia syndrome (AT). Also called: LOUIS-BAR SYNDROME; Ataxia-telangiectasia, complementation group E; Cerebello-oculocutaneous telangiectasia; Immunodeficiency with ataxia telangiectasia; Ataxia-telangiectasia, complementation group D; AT, COMPLEMENTATION GROUP C. Identifiers: Orphanet 100, MedGen C0004135, MONDO:0008840, OMIM 208900.
Malignant tumor of breast. Also called: Malignant breast neoplasm; Cancer breast. Identifiers: MedGen C0006142, MONDO:0007254. Disease mechanism: loss of function.
Hereditary cancer-predisposing syndrome. Also called: Hereditary neoplastic syndrome; Neoplastic Syndromes, Hereditary; Hereditary Cancer Syndrome; Tumor predisposition. Identifiers: Orphanet 140162, MedGen C0027672, MeSH D009386, MONDO:0015356.
Familial cancer of breast. Also called: BREAST CANCER, FAMILIAL; hereditary breast carcinoma; Hereditary breast cancer. Identifiers: Orphanet 227535, MedGen C0346153, MONDO:0016419, OMIM 114480. Disease mechanism: loss of function.

Allele frequency attached by ClinVar (database versions not stated): TOPMed below 0.00001; gnomAD 0.00001; gnomAD exomes 0.00001; ExAC 0.00002; 1000 Genomes Project 30x 0.00016; 1000 Genomes Project 0.00020.
gnomAD v4.1: 21 of 1,613,924 alleles (0.0013%); highest among the groups gnomAD compares: East Asian, 0.0067%; no homozygotes.

Submissions (11):

Women's Health and Genetics/Laboratory Corporation of America, LabCorp
Classification: Uncertain significance. Last evaluated: 2025-09-02. Review status: criteria provided, single submitter. Criteria: LabCorp Variant Classification Summary - May 2015. Collection method: clinical testing. Allele origin: germline.
Comment: Variant summary: ATM c.1352G>A (p.Arg451His) results in a non-conservative amino acid change in the encoded protein sequence. Algorithms developed to predict the effect of missense changes on protein structure and function are either unavailable or do not agree on the potential impact of this missense change. The variant allele was found at a frequency of 8e-06 in 251368 control chromosomes. The available data on variant occurrences in the general population are insufficient to allow any conclusion about variant significance. c.1352G>A has been observed in individuals affected with breast cancer or hematological malignancies, as well as healthy controls (Singhal_2021, Kasugai_2022, Momozawa_2018, Okawa_2023). To our knowledge, no experimental evidence demonstrating an impact on protein function has been reported. The following publications have been ascertained in the context of this evaluation (PMID: 35218119, 30287823, 36243179, 33850299). ClinVar contains an entry for this variant (Variation ID: 407670). Based on the evidence outlined above, the variant was classified as uncertain significance.

Ambry Genetics
Classification: Uncertain significance for Hereditary cancer-predisposing syndrome. Last evaluated: 2024-11-07. Review status: criteria provided, single submitter. Criteria: Ambry Variant Classification Scheme 2023. Collection method: clinical testing. Allele origin: germline.
Comment: The p.R451H variant (also known as c.1352G>A), located in coding exon 9 of the ATM gene, results from a G to A substitution at nucleotide position 1352. The arginine at codon 451 is replaced by histidine, an amino acid with highly similar properties. This amino acid position is highly conserved in available vertebrate species. In addition, the in silico prediction for this alteration is inconclusive. Based on the available evidence, the clinical significance of this variant remains unclear.

Quest Diagnostics Nichols Institute San Juan Capistrano
Classification: Uncertain significance. Last evaluated: 2024-06-17. Review status: criteria provided, single submitter. Criteria: Quest Diagnostics criteria. Collection method: clinical testing. Allele origin: unknown.

Mayo Clinic Laboratories, Mayo Clinic
Classification: Uncertain significance. Last evaluated: 2024-02-06. Review status: criteria provided, single submitter. Criteria: ACMG Guidelines, 2015. Collection method: clinical testing. Allele origin: germline. Observed: 1 variant allele.

Labcorp Genetics (formerly Invitae), Labcorp
Classification: Uncertain significance for Ataxia-telangiectasia syndrome. Last evaluated: 2024-01-31. Review status: criteria provided, single submitter. Criteria: Invitae Variant Classification Sherloc (09022015). Collection method: clinical testing. Allele origin: germline.
Comment: This sequence change replaces arginine, which is basic and polar, with histidine, which is basic and polar, at codon 451 of the ATM protein (p.Arg451His). This variant is present in population databases (rs554805703, gnomAD 0.01%). This missense change has been observed in individual(s) with breast cancer (PMID: 30287823). ClinVar contains an entry for this variant (Variation ID: 407670). An algorithm developed to predict the effect of missense changes on protein structure and function (PolyPhen-2) suggests that this variant is likely to be disruptive. In summary, the available evidence is currently insufficient to determine the role of this variant in disease. Therefore, it has been classified as a Variant of Uncertain Significance.

Color Diagnostics, LLC DBA Color Health
Classification: Uncertain significance for Hereditary cancer-predisposing syndrome. Last evaluated: 2023-10-27. Review status: criteria provided, single submitter. Criteria: ACMG Guidelines, 2015. Collection method: clinical testing. Allele origin: germline.
Comment: This missense variant replaces arginine with histidine at codon 451 of the ATM protein. Computational prediction suggests that this variant may not impact protein structure and function (internally defined REVEL score threshold <= 0.5, PMID: 27666373). To our knowledge, functional studies have not been reported for this variant. In a large international case-control study, this variant was absent in 60466 breast cancer cases and reported in 1/53461 controls (PMID: 33471991). In a separate case-control study conducted in Japan, this variant was reported in 3/7051 women affected with breast cancer, 2/11241 unaffected women, 0/53 men affected with breast cancer, and 8/12490 unaffected men (PMID: 30287823). In a third study the variant was reported in 4/7636 prostate cancer cases & 8/12366 unaffected controls (PMID: 31214711). This variant has been identified in 2/251368 chromosomes in the general population by the Genome Aggregation Database (gnomAD). The available evidence is insufficient to determine the role of this variant in disease conclusively. Therefore, this variant is classified as a Variant of Uncertain Significance.

Baylor Genetics
Classification: Uncertain significance for Familial cancer of breast. Last evaluated: 2023-06-26. Review status: criteria provided, single submitter. Criteria: ACMG Guidelines, 2015. Collection method: clinical testing. Allele origin: unknown.

Blueprint Genetics
Classification: Uncertain significance. Last evaluated: 2022-07-17. Review status: criteria provided, single submitter. Criteria: ACMG Guidelines, 2015. Collection method: clinical testing. Allele origin: germline.

Athena Diagnostics
Classification: Uncertain significance. Last evaluated: 2020-03-03. Review status: criteria provided, single submitter. Criteria: Athena Diagnostics Criteria. Collection method: clinical testing. Allele origin: unknown.

GeneDx
Classification: Uncertain significance. Last evaluated: 2019-11-05. Review status: criteria provided, single submitter. Criteria: GeneDx Variant Classification Process June 2021. Collection method: clinical testing. Allele origin: germline. Affected: yes.
Comment: Not observed at a significant frequency in large population cohorts (Lek 2016); In silico analysis, which includes protein predictors and evolutionary conservation, supports that this variant does not alter protein structure/function; Observed in individuals with breast cancer (Momozawa 2018); This variant is associated with the following publications: (PMID: 30287823)

Genetic Services Laboratory, University of Chicago
Classification: Uncertain significance. Last evaluated: 2019-04-11. Review status: criteria provided, single submitter. Criteria: ACMG Guidelines, 2015. Collection method: clinical testing. Allele origin: germline. Affected: no.

Literature cited by the submitters: PubMed 30287823 (cited by 6 submitters); PubMed 33850299 (cited by Women's Health and Genetics/Laboratory Corporation of America, LabCorp); PubMed 36243179 (cited by Women's Health and Genetics/Laboratory Corporation of America, LabCorp and Quest Diagnostics Nichols Institute San Juan Capistrano); PubMed 35218119 (cited by Women's Health and Genetics/Laboratory Corporation of America, LabCorp and Quest Diagnostics Nichols Institute San Juan Capistrano); PubMed 31214711 (cited by 3 submitters); PubMed 35451682 (cited by Quest Diagnostics Nichols Institute San Juan Capistrano); PubMed 33471991 (cited by Quest Diagnostics Nichols Institute San Juan Capistrano and Color Diagnostics, LLC DBA Color Health).